The following is an entry in ClinVar:

NM_020207.7(ERCC6L2):c.1063A>G (p.Lys355Glu)

Gene: ERCC6L2 (ERCC excision repair 6 like 2; plus strand). Cytogenetic location: 9q22.32.
Variant type: single nucleotide variant.
Coding change: c.1063A>G on transcript NM_020207.7 (MANE Select); coding-DNA position 1063, A replaced by G.
Protein change: p.Lys355Glu; replaces lysine 355 with glutamic acid.
Molecular consequence: missense variant. On other transcripts: non-coding transcript variant (1).
Genome position (GRCh38, 1-based): chr9:95,916,339, A>G. VCF-style: chr9-95916339-A-G. GRCh37 (hg19) VCF-style: chr9-98678621-A-G.
Other names: c.1063A>G, p.Lys355Glu (NM_001010895.4, NM_001375291.1, NM_001375292.1 and 2 more transcripts); short protein forms K355E.
Identifiers: ClinVar variation 3664394 (VCV003664394.3).

ClinVar aggregate classification (germline): Uncertain significance. Review status: criteria provided, multiple submitters, no conflicts (2 of 4 stars). 2 submissions from 2 submitters: Uncertain significance (2). Last evaluated 2025-03-27.

Conditions:
Inborn genetic diseases. Identifiers: MedGen C0950123, MeSH D030342.

Submissions (2):

Ambry Genetics
Classification: Uncertain significance for Inborn genetic diseases. Last evaluated: 2025-03-27. Review status: criteria provided, single submitter. Criteria: Ambry Variant Classification Scheme 2023. Collection method: clinical testing. Allele origin: germline.
Comment: The p.K355E variant (also known as c.1063A>G), located in coding exon 6 of the ERCC6L2 gene, results from an A to G substitution at nucleotide position 1063. The lysine at codon 355 is replaced by glutamic acid, an amino acid with similar properties. This amino acid position is conserved. In addition, this alteration is predicted to be deleterious by in silico analysis. Based on the available evidence, the clinical significance of this variant remains unclear.

Labcorp Genetics (formerly Invitae), Labcorp
Classification: Uncertain significance. Last evaluated: 2024-09-19. Review status: criteria provided, single submitter. Criteria: Invitae Variant Classification Sherloc (09022015). Collection method: clinical testing. Allele origin: germline.
Comment: This sequence change replaces lysine, which is basic and polar, with glutamic acid, which is acidic and polar, at codon 366 of the ERCC6L2 protein (p.Lys366Glu). This variant is not present in population databases (gnomAD no frequency). This variant has not been reported in the literature in individuals affected with ERCC6L2-related conditions. Experimental studies and prediction algorithms are not available or were not evaluated, and the functional significance of this variant is currently unknown. In summary, the available evidence is currently insufficient to determine the role of this variant in disease. Therefore, it has been classified as a Variant of Uncertain Significance.